The following is an entry in ClinVar:

NM_001291415.2(KDM6A):c.3205A>G (p.Thr1069Ala)

Gene: KDM6A (lysine demethylase 6A; plus strand). Cytogenetic location: Xp11.3.
Variant type: single nucleotide variant.
Coding change: c.3205A>G on transcript NM_001291415.2 (MANE Select); coding-DNA position 3205, A replaced by G.
Protein change: p.Thr1069Ala; replaces threonine 1069 with alanine.
Molecular consequence: missense variant. On other transcripts: non-coding transcript variant (1).
Genome position (GRCh38, 1-based): chrX:45,079,256, A>G. VCF-style: chrX-45079256-A-G. GRCh37 (hg19) VCF-style: chrX-44938501-A-G.
Other names: c.3070A>G, p.Thr1024Ala (NM_001419811.1, NM_001291416.2); c.3049A>G, p.Thr1017Ala (NM_001419812.1, NM_021140.4); c.3103A>G, p.Thr1035Ala (NM_001419813.1, NM_001419810.1); c.2947A>G, p.Thr983Ala (NM_001419814.1, NM_001410742.1); c.2812A>G, p.Thr938Ala (NM_001419815.1, NM_001291418.2); c.2914A>G, p.Thr972Ala (NM_001291417.2); c.2161A>G, p.Thr721Ala (NM_001291421.2); c.3205A>G, p.Thr1069Ala (NM_001419809.1); short protein forms T1017A, T1024A, T1035A, T721A, T972A, T1069A, T983A, T938A.
Identifiers: ClinVar variation 4622820 (VCV004622820.2).
Genomic context (GRCh38, chrX:45,079,256, plus strand): 5'-ATGGTAGAAGTGAGGACACAGTTGTTGCAGCCAGCAGATGAAAACTGGGATCCCACTGGA[A>G]CAAAGAAAATCTGGCATTGTGAAAGTAATAGATCTCATACTACAATTGCTAAATATGCAC-3'
Protein context (NP_001278344.1, residues 1059-1079): PADENWDPTG[Thr1069Ala]KKIWHCESNR

ClinVar aggregate classification (germline): Uncertain significance. Review status: criteria provided, multiple submitters, no conflicts (2 of 4 stars). 2 submissions from 2 submitters: Uncertain significance (2). Last evaluated 2025-11-19.

Conditions:
Kabuki syndrome 2 (KABUK2). Also called: KDM6A-Related Kabuki Syndrome. Identifiers: Orphanet 2322, MedGen C3275495, MONDO:0010465, OMIM 300867.
Inborn genetic diseases. Identifiers: MedGen C0950123, MeSH D030342.

Submissions (2):

Ambry Genetics
Classification: Uncertain significance for Inborn genetic diseases. Last evaluated: 2025-11-19. Review status: criteria provided, single submitter. Criteria: Ambry Variant Classification Scheme 2023. Collection method: clinical testing. Allele origin: germline.

Labcorp Genetics (formerly Invitae), Labcorp
Classification: Uncertain significance for Kabuki syndrome 2. Last evaluated: 2025-05-14. Review status: criteria provided, single submitter. Criteria: Invitae Variant Classification Sherloc (09022015). Collection method: clinical testing. Allele origin: germline.
Comment: This sequence change replaces threonine, which is neutral and polar, with alanine, which is neutral and non-polar, at codon 1017 of the KDM6A protein (p.Thr1017Ala). This variant is not present in population databases (gnomAD no frequency). This variant has not been reported in the literature in individuals affected with KDM6A-related conditions. Invitae Evidence Modeling of protein sequence and biophysical properties (such as structural, functional, and spatial information, amino acid conservation, physicochemical variation, residue mobility, and thermodynamic stability) indicates that this missense variant is not expected to disrupt KDM6A protein function with a negative predictive value of 80%. In summary, the available evidence is currently insufficient to determine the role of this variant in disease. Therefore, it has been classified as a Variant of Uncertain Significance.